The following is an entry in ClinVar:

NM_000070.3(CAPN3):c.1612A>G (p.Ile538Val)

Gene: CAPN3 (calpain 3; plus strand). Cytogenetic location: 15q15.1.
Variant type: single nucleotide variant.
Coding change: c.1612A>G on transcript NM_000070.3 (MANE Select); coding-DNA position 1612, A replaced by G.
Protein change: p.Ile538Val; replaces isoleucine 538 with valine.
Molecular consequence: missense variant.
Genome position (GRCh38, 1-based): chr15:42,402,869, A>G. VCF-style: chr15-42402869-A-G. GRCh37 (hg19) VCF-style: chr15-42695067-A-G.
Other names: c.1612A>G, p.Ile538Val (NM_024344.2); c.1468A>G, p.Ile490Val (NM_173087.2); c.76A>G, p.Ile26Val (NM_173088.2); short protein forms I490V, I26V, I538V.
Identifiers: ClinVar variation 5004451 (VCV005004451.1).

ClinVar aggregate classification (germline): Uncertain significance (1 of 4 stars; one submission).

Conditions:
Autosomal recessive limb-girdle muscular dystrophy type 2A (LGMDR1). Also called: Limb-girdle muscular dystrophy, type 2A; Calpainopathy; LEYDEN-MOEBIUS MUSCULAR DYSTROPHY; MUSCULAR DYSTROPHY, PELVOFEMORAL; Muscular dystrophy, limb-girdle, type 2A, Amish. Identifiers: Orphanet 267, MedGen C1869123, MONDO:0009675, OMIM 253600. Disease mechanism: loss of function.

Submission:

Myriad Genetics, Inc.
Classification: Uncertain significance for Autosomal recessive limb-girdle muscular dystrophy type 2A. Last evaluated: 2026-02-05. Review status: criteria provided, single submitter. Criteria: Myriad Autosomal Dominant, Autosomal Recessive and X-Linked Classification Criteria (2023). Collection method: clinical testing. Allele origin: unknown.
Comment: NM_000070.2(CAPN3):c.1612A>G(I538V) is a missense variant classified as a variant of uncertain significance in the context of calpainopathy. I538V has been observed in a case with relevant disease (PMID: 39678382). Relevant functional assessments of this variant are not available in the literature. I538V has not been observed in referenced population frequency databases. In summary, there is insufficient evidence to classify NM_000070.2(CAPN3):c.1612A>G(I538V) as pathogenic or benign. Please note: this variant was assessed in the context of healthy population screening.

Literature cited by the submitters: PubMed 39678382.